The following is an entry in ClinVar:

NM_005883.3(APC2):c.6161C>T (p.Pro2054Leu)

Gene: APC2 (APC regulator of Wnt signaling pathway 2; plus strand). Cytogenetic location: 19p13.3.
Variant type: single nucleotide variant.
Coding change: c.6161C>T on transcript NM_005883.3 (MANE Select); coding-DNA position 6161, C replaced by T.
Protein change: p.Pro2054Leu; replaces proline 2054 with leucine.
Molecular consequence: missense variant.
Genome position (GRCh38, 1-based): chr19:1,469,462, C>T. VCF-style: chr19-1469462-C-T. GRCh37 (hg19) VCF-style: chr19-1469461-C-T.
Other names: c.6158C>T, p.Pro2053Leu (NM_001351273.1); short protein forms P2053L, P2054L.
Identifiers: ClinVar variation 4874288 (VCV004874288.2).

ClinVar aggregate classification (germline): Uncertain significance (1 of 4 stars; one submission).

Submission:

CeGaT Center for Human Genetics Tuebingen
Classification: Uncertain significance. Last evaluated: 2026-06-01. Review status: criteria provided, single submitter. Criteria: CeGaT Center For Human Genetics Tuebingen Variant Classification Criteria Version 2. Collection method: clinical testing. Allele origin: germline. Affected: yes. Observed: 1 variant allele.
Comment: APC2: PM2